The following is an entry in ClinVar:

ClinVar aggregate classification (germline): Uncertain significance. Review status: criteria provided, multiple submitters, no conflicts (2 of 4 stars). 2 submissions from 2 submitters: Uncertain significance (2). Last evaluated 2024-11-11.

Conditions:
Emery-Dreifuss muscular dystrophy (EDMD). Also called: Scapuloperoneal syndrome, X-linked (formerly); Humeroperoneal neuromuscular disease, (formerly). Identifiers: Orphanet 261, MedGen C0410189, MONDO:0016830.

Allele frequency attached by ClinVar (database versions not stated): gnomAD 0.00003.
gnomAD v4.1: 49 of 1,613,880 alleles (0.003%); highest among the groups gnomAD compares: African/African-American, 0.004%; no homozygotes.

Submissions (2):

Labcorp Genetics (formerly Invitae), Labcorp
Classification: Uncertain significance for Emery-Dreifuss muscular dystrophy. Last evaluated: 2024-11-11. Review status: criteria provided, single submitter. Criteria: Invitae Variant Classification Sherloc (09022015). Collection method: clinical testing. Allele origin: germline.
Comment: This sequence change replaces alanine, which is neutral and non-polar, with valine, which is neutral and non-polar, at codon 251 of the SUN2 protein (p.Ala251Val). This variant is present in population databases (no rsID available, gnomAD 0.004%). This variant has not been reported in the literature in individuals affected with SUN2-related conditions. ClinVar contains an entry for this variant (Variation ID: 2238170). An algorithm developed to predict the effect of missense changes on protein structure and function (PolyPhen-2) suggests that this variant is likely to be tolerated. In summary, the available evidence is currently insufficient to determine the role of this variant in disease. Therefore, it has been classified as a Variant of Uncertain Significance.

Ambry Genetics
Classification: Uncertain significance. Last evaluated: 2022-11-07. Review status: criteria provided, single submitter. Criteria: Ambry Variant Classification Scheme 2023. Collection method: clinical testing. Allele origin: germline.

NM_015374.3(SUN2):c.752C>T (p.Ala251Val)

Gene: SUN2 (Sad1 and UNC84 domain containing 2; minus strand). Cytogenetic location: 22q13.1.
Variant type: single nucleotide variant.
Coding change: c.752C>T on transcript NM_015374.3 (MANE Select); coding-DNA position 752, C replaced by T.
Protein change: p.Ala251Val; replaces alanine 251 with valine.
Molecular consequence: missense variant. On other transcripts: intron variant (2).
Genome position (GRCh38, 1-based): chr22:38,745,745, G>A on the plus strand (C>T on the coding strand, the complement: SUN2 is on the minus strand). VCF-style: chr22-38745745-G-A. GRCh37 (hg19) VCF-style: chr22-39141750-G-A.
Other names: c.815C>T, p.Ala272Val (NM_001199579.2, NM_001394428.1); c.752C>T, p.Ala251Val (NM_001199580.2, NM_001394431.1, NM_001394432.1 and 6 more transcripts); c.845C>T, p.Ala282Val (NM_001394427.1); c.797C>T, p.Ala266Val (NM_001394429.1, NM_001394430.1); c.662C>T, p.Ala221Val (NM_001394438.1); c.614C>T, p.Ala205Val (NM_001394439.1, NM_001394440.1, NM_001394441.1); c.260C>T, p.Ala87Val (NM_001394443.1); c.614+4021C>T (NM_001394444.1, NM_001394445.1); short protein forms A266V, A272V, A205V, A221V, A87V, A251V, A282V.
Identifiers: ClinVar variation 2238170 (VCV002238170.5), dbSNP rs1051031562, ClinGen allele CA411585800.